The following is an entry in ClinVar:

ClinVar aggregate classification (germline): Uncertain significance (1 of 4 stars; one submission).

Conditions:
Joubert syndrome. Also called: CEREBELLOPARENCHYMAL DISORDER IV; JOUBERT-BOLTSHAUSER SYNDROME; Familial aplasia of the vermis. Identifiers: Orphanet 475, MedGen C5979921, MONDO:0018772.
Meckel-Gruber syndrome. Also called: DYSENCEPHALIA SPLANCHNOCYSTICA; GRUBER SYNDROME; Dysencephalia splachnocystica. Identifiers: Orphanet 564, MedGen C0265215, MONDO:0018921.

Submission:

Labcorp Genetics (formerly Invitae), Labcorp
Classification: Uncertain significance for Joubert syndrome; Meckel-Gruber syndrome. Last evaluated: 2023-11-24. Review status: criteria provided, single submitter. Criteria: Invitae Variant Classification Sherloc (09022015). Collection method: clinical testing. Allele origin: germline.
Comment: This sequence change replaces isoleucine, which is neutral and non-polar, with threonine, which is neutral and polar, at codon 363 of the TCTN2 protein (p.Ile363Thr). This variant is not present in population databases (gnomAD no frequency). This variant has not been reported in the literature in individuals affected with TCTN2-related conditions. Advanced modeling of protein sequence and biophysical properties (such as structural, functional, and spatial information, amino acid conservation, physicochemical variation, residue mobility, and thermodynamic stability) performed at Invitae indicates that this missense variant is expected to disrupt TCTN2 protein function with a positive predictive value of 80%. In summary, the available evidence is currently insufficient to determine the role of this variant in disease. Therefore, it has been classified as a Variant of Uncertain Significance.

NM_024809.5(TCTN2):c.1088T>C (p.Ile363Thr)

Gene: TCTN2 (tectonic family member 2; plus strand). Cytogenetic location: 12q24.31.
Variant type: single nucleotide variant.
Coding change: c.1088T>C on transcript NM_024809.5 (MANE Select); coding-DNA position 1088, T replaced by C.
Protein change: p.Ile363Thr; replaces isoleucine 363 with threonine.
Molecular consequence: missense variant.
Genome position (GRCh38, 1-based): chr12:123,692,712, T>C. VCF-style: chr12-123692712-T-C. GRCh37 (hg19) VCF-style: chr12-124177259-T-C.
Other names: c.1085T>C, p.Ile362Thr (NM_001143850.3); c.1088T>C, p.Ile363Thr (NM_001410989.1); short protein forms I363T, I362T.
Identifiers: ClinVar variation 2954168 (VCV002954168.3), dbSNP rs2541784059, ClinGen allele CA387141110.
Genomic context (GRCh38, chr12:123,692,712, plus strand): 5'-CTTTAGGCATAGTTACACCAAAAGTGATCTATGAGGAAGCAACTGACCTAGACAAATTCA[T>C]CACCAATACAGGTATTTAATGTTACACTTTGACGTCATTTCTTCAGAAACAGATATGTCA-3'
Protein context (NP_079085.2, residues 353-373): YEEATDLDKF[Ile363Thr]TNTETPLNNG